The following is an entry in ClinVar:

ClinVar aggregate classification (germline): Likely benign. Review status: criteria provided, single submitter (1 of 4 stars). 3 submissions from 3 submitters: Likely benign (1). 2 of the submissions do not count toward it. Last evaluated 2025-07-04.

Conditions:
Epidermolysis bullosa dystrophica inversa, autosomal recessive. Identifiers: MedGen C2673612.
COL7A1-related disorder. Also called: COL7A1-related condition; COL7A1- related disorders.

Allele frequency attached by ClinVar (database versions not stated): gnomAD exomes below 0.00001; gnomAD 0.00002.
gnomAD v4.1: 7 of 1,612,206 alleles (0.00043%); highest among the groups gnomAD compares: Admixed American, 0.005%; no homozygotes.

Submissions (3):

Labcorp Genetics (formerly Invitae), Labcorp
Classification: Likely benign. Last evaluated: 2025-07-04. Review status: criteria provided, single submitter. Criteria: Invitae Variant Classification Sherloc (09022015). Collection method: clinical testing. Allele origin: germline.

PreventionGenetics, part of Exact Sciences
Classification: Likely benign for COL7A1-related condition. Last evaluated: 2023-05-05. Review status: no assertion criteria provided. Collection method: clinical testing. Allele origin: germline. Not counted in ClinVar's aggregate classification.
Comment: This variant is classified as likely benign based on ACMG/AMP sequence variant interpretation guidelines (Richards et al. 2015 PMID: 25741868, with internal and published modifications).

Natera, Inc.
Classification: Uncertain significance for Autosomal recessive epidermolysis bullosa dystrophica inversa. Last evaluated: 2020-08-19. Review status: no assertion criteria provided. Collection method: clinical testing. Allele origin: germline. Not counted in ClinVar's aggregate classification.

NM_000094.4(COL7A1):c.5532+8T>C

Gene: COL7A1 (collagen type VII alpha 1 chain; minus strand). Cytogenetic location: 3p21.31.
Variant type: single nucleotide variant.
Coding change: c.5532+8T>C on transcript NM_000094.4 (MANE Select); 8 bases into the intron after coding-DNA position 5532, T replaced by C.
Molecular consequence: intron variant.
Genome position (GRCh38, 1-based): chr3:48,578,313, A>G on the plus strand (T>C on the coding strand, the complement: COL7A1 is on the minus strand). VCF-style: chr3-48578313-A-G. GRCh37 (hg19) VCF-style: chr3-48615746-A-G.
Other names: c.5532+8T>C (NM_000094.3).
Identifiers: ClinVar variation 991501 (VCV000991501.10), dbSNP rs1321882939, ClinGen allele CA542791121.